The following is an entry in ClinVar:

ClinVar aggregate classification (germline): Uncertain significance (1 of 4 stars; one submission).

Conditions:
Tay-Sachs disease, variant AB. Also called: Gm2-gangliosidosis, ab variant; GM2 Activator Deficiency. Identifiers: Orphanet 309246, MedGen C0268275, MONDO:0010099, OMIM 272750.

gnomAD v4.1: 2 of 1,613,136 alleles (0.00012%); highest among the groups gnomAD compares: African/African-American, 0.0013%; no homozygotes.

Submission:

Labcorp Genetics (formerly Invitae), Labcorp
Classification: Uncertain significance for Tay-Sachs disease, variant AB. Last evaluated: 2024-02-24. Review status: criteria provided, single submitter. Criteria: Invitae Variant Classification Sherloc (09022015). Collection method: clinical testing. Allele origin: germline.
Comment: This sequence change replaces alanine, which is neutral and non-polar, with glutamic acid, which is acidic and polar, at codon 46 of the GM2A protein (p.Ala46Glu). This variant is not present in population databases (gnomAD no frequency). This variant has not been reported in the literature in individuals affected with GM2A-related conditions. ClinVar contains an entry for this variant (Variation ID: 1985506). An algorithm developed to predict the effect of missense changes on protein structure and function (PolyPhen-2) suggests that this variant is likely to be disruptive. In summary, the available evidence is currently insufficient to determine the role of this variant in disease. Therefore, it has been classified as a Variant of Uncertain Significance.

NM_000405.5(GM2A):c.137C>A (p.Ala46Glu)

Gene: GM2A (ganglioside GM2 activator; plus strand). Cytogenetic location: 5q33.1.
Variant type: single nucleotide variant.
Coding change: c.137C>A on transcript NM_000405.5 (MANE Select); coding-DNA position 137, C replaced by A.
Protein change: p.Ala46Glu; replaces alanine 46 with glutamic acid.
Molecular consequence: missense variant.
Genome position (GRCh38, 1-based): chr5:151,259,810, C>A. VCF-style: chr5-151259810-C-A. GRCh37 (hg19) VCF-style: chr5-150639371-C-A.
Other names: c.137C>A, p.Ala46Glu (NM_001167607.3); short protein forms A46E.
Identifiers: ClinVar variation 1985506 (VCV001985506.4), dbSNP rs761268810, ClinGen allele CA361805847.
Genomic context (GRCh38, chr5:151,259,810, plus strand): 5'-CCCAGCCATCCCAGCTCAGTAGCTTTTCCTGGGATAACTGTGATGAAGGGAAGGACCCTG[C>A]GGTGATCAGAAGCCTGACTCTGGAGCCTGACCCCATCATCGTTCCTGGAAATGTGACCCT-3'
Protein context (NP_000396.2, residues 36-56): WDNCDEGKDP[Ala46Glu]VIRSLTLEPD